The following is an entry in ClinVar:

NM_002025.4(AFF2):c.1228A>G (p.Thr410Ala)

Gene: AFF2 (ALF transcription elongation factor 2; plus strand). Cytogenetic location: Xq28.
Variant type: single nucleotide variant.
Coding change: c.1228A>G on transcript NM_002025.4 (MANE Select); coding-DNA position 1228, A replaced by G.
Protein change: p.Thr410Ala; replaces threonine 410 with alanine.
Molecular consequence: missense variant.
Genome position (GRCh38, 1-based): chrX:148,843,399, A>G. VCF-style: chrX-148843399-A-G. GRCh37 (hg19) VCF-style: chrX-147924923-A-G.
Other names: c.1129A>G, p.Thr377Ala (NM_001169122.2, NM_001169125.2); c.1216A>G, p.Thr406Ala (NM_001169123.2); c.1141A>G, p.Thr381Ala (NM_001169124.2); c.151A>G, p.Thr51Ala (NM_001170628.1); short protein forms T377A, T381A, T406A, T410A, T51A.
Identifiers: ClinVar variation 2504499 (VCV002504499.1), dbSNP rs2521462499, ClinGen allele CA414511180.

ClinVar aggregate classification (germline): Uncertain significance (1 of 4 stars; one submission).

Submission:

GeneDx
Classification: Uncertain significance. Last evaluated: 2022-11-29. Review status: criteria provided, single submitter. Criteria: GeneDx Variant Classification Process June 2021. Collection method: clinical testing. Allele origin: germline. Affected: yes.
Comment: Not observed at significant frequency in large population cohorts (gnomAD); In silico analysis supports that this missense variant does not alter protein structure/function; Has not been previously published as pathogenic or benign to our knowledge